The following is an entry in ClinVar:

ClinVar aggregate classification (germline): Pathogenic (1 of 4 stars; one submission).

Conditions:
ALG1-congenital disorder of glycosylation. Also called: CONGENITAL DISORDER OF GLYCOSYLATION, TYPE Ik; CDG Ik; ALG1-CDG. Identifiers: Orphanet 79327, MedGen C2931005, MONDO:0012052, OMIM 608540.

Submission:

Labcorp Genetics (formerly Invitae), Labcorp
Classification: Pathogenic for ALG1-congenital disorder of glycosylation. Last evaluated: 2025-03-18. Review status: criteria provided, single submitter. Criteria: Invitae Variant Classification Sherloc (09022015). Collection method: clinical testing. Allele origin: germline.
Comment: This sequence change creates a premature translational stop signal (p.Pro133Glnfs*59) in the ALG1 gene. It is expected to result in an absent or disrupted protein product. Loss-of-function variants in ALG1 are known to be pathogenic (PMID: 20679665, 23806237). This variant is not present in population databases (gnomAD no frequency). This variant has not been reported in the literature in individuals affected with ALG1-related conditions. For these reasons, this variant has been classified as Pathogenic.

Literature cited by the submitters: PubMed 20679665; PubMed 23806237.

NM_019109.5(ALG1):c.398del (p.Pro133fs)

Gene: ALG1 (ALG1 chitobiosyldiphosphodolichol beta-mannosyltransferase; plus strand). Cytogenetic location: 16p13.3.
Variant type: Deletion.
Coding change: c.398del on transcript NM_019109.5 (MANE Select); coding-DNA position 398, one base deleted (C; older notation c.398delC).
Protein change: p.Pro133fs; shifts the reading frame from proline 133.
Molecular consequence: frameshift variant.
Genome position (GRCh38, 1-based): chr16:5,075,395, C deleted; the last of 6 consecutive C bases (chr16:5,075,390-5,075,395); deleting any one gives the same sequence. VCF-style (leftmost placement, unchanged base first): chr16-5075389-AC-A. GRCh37 (hg19) VCF-style: chr16-5125390-AC-A.
Other names: c.65del, p.Pro22fs (NM_001330504.2); c.398del, p.Pro133fs (NM_001438123.1); short protein forms P133fs, P22fs.
Identifiers: ClinVar variation 4810099 (VCV004810099.1).